The following is an entry in ClinVar:

NM_003126.4(SPTA1):c.6002A>G (p.Asn2001Ser)

Gene: SPTA1 (spectrin alpha, erythrocytic 1; minus strand). Cytogenetic location: 1q23.1.
Variant type: single nucleotide variant.
Coding change: c.6002A>G on transcript NM_003126.4 (MANE Select); coding-DNA position 6002, A replaced by G.
Protein change: p.Asn2001Ser; replaces asparagine 2001 with serine.
Molecular consequence: missense variant.
Genome position (GRCh38, 1-based): chr1:158,623,101, T>C on the plus strand (A>G on the coding strand, the complement: SPTA1 is on the minus strand). VCF-style: chr1-158623101-T-C. GRCh37 (hg19) VCF-style: chr1-158592891-T-C.
Other names: short protein forms N2001S.
Identifiers: ClinVar variation 4080246 (VCV004080246.2).
Genomic context (GRCh38, chr1:158,623,101, plus strand): 5'-AGCAACTGTTCCCAGCGCTTCAGCAGAGCGGCATAACGCTCTTCAATGGCTTTAGACTGG[T>C]TGTGTTGAGCAGAAATCAGTTTGTCCTTCAGGTCAGTGATCTCGGGAAGTCTCTCTTGCT-3'
Protein context (NP_003117.2, residues 1991-2011): LKDKLISAQH[Asn2001Ser]QSKAIEERYA

ClinVar aggregate classification (germline): Uncertain significance. Review status: criteria provided, multiple submitters, no conflicts (2 of 4 stars). 2 submissions from 2 submitters: Uncertain significance (2). Last evaluated 2025-06-06.

gnomAD v4.1: 22 of 1,613,960 alleles (0.0014%); highest among the groups gnomAD compares: African/African-American, 0.024%; no homozygotes.

Submissions (2):

ARUP Laboratories, Molecular Genetics and Genomics, ARUP Laboratories
Classification: Uncertain significance. Last evaluated: 2025-06-06. Review status: criteria provided, single submitter. Criteria: ARUP Molecular Germline Variant Investigation Process 2024. Collection method: clinical testing. Allele origin: germline.
Comment: The SPTA1 c.6002A>G; p.Asn2001Ser variant (rs771292657), to our knowledge, is not reported in the medical literature or gene specific databases. This variant is only observed on six alleles in the Genome Aggregation Database (v2.1.1), indicating it is not a common polymorphism. Computational analyses predict that this variant is neutral (REVEL: 0.109). Due to limited information, the clinical significance of this variant is uncertain at this time.

Revvity Omics, Revvity
Classification: Uncertain significance. Last evaluated: 2024-05-29. Review status: criteria provided, single submitter. Criteria: ACMG Guidelines, 2015. Collection method: clinical testing. Allele origin: germline.